The following is an entry in ClinVar:

NM_021815.5(SLC5A7):c.1387C>T (p.Pro463Ser)

Gene: SLC5A7 (solute carrier family 5 member 7; plus strand). Cytogenetic location: 2q12.3.
Variant type: single nucleotide variant.
Coding change: c.1387C>T on transcript NM_021815.5 (MANE Select); coding-DNA position 1387, C replaced by T.
Protein change: p.Pro463Ser; replaces proline 463 with serine.
Molecular consequence: missense variant.
Genome position (GRCh38, 1-based): chr2:108,010,505, C>T. VCF-style: chr2-108010505-C-T. GRCh37 (hg19) VCF-style: chr2-108626961-C-T.
Other names: c.1387C>T, p.Pro463Ser (NM_001305005.3); c.1072C>T, p.Pro358Ser (NM_001305006.3); c.646C>T, p.Pro216Ser (NM_001305007.3); short protein forms P463S, P216S, P358S.
Identifiers: ClinVar variation 579028 (VCV000579028.6), dbSNP rs1558872670, ClinGen allele CA348114461.

ClinVar aggregate classification (germline): Uncertain significance (1 of 4 stars; one submission).

Conditions:
Congenital myasthenic syndrome 20. Also called: Myasthenic syndrome, congenital, 20, presynaptic. Identifiers: MedGen C4310694, MONDO:0014939, OMIM 617143.
Neuronopathy, distal hereditary motor, type 7A. Also called: Neuronopathy, distal hereditary motor, type viia; SPINAL MUSCULAR ATROPHY, DISTAL, WITH VOCAL CORD PARALYSIS; NEURONOPATHY, DISTAL HEREDITARY MOTOR, HARDING TYPE VIIA; NEUROPATHY, DISTAL HEREDITARY MOTOR, HARDING TYPE VIIA; Neuronopathy, distal hereditary motor, autosomal dominant 7; HARPER-YOUNG MYOPATHY. Identifiers: Orphanet 139589, MedGen C1834703, MONDO:0008024, OMIM 158580.

Submission:

Labcorp Genetics (formerly Invitae), Labcorp
Classification: Uncertain significance for Neuronopathy, distal hereditary motor, type 7A; Congenital myasthenic syndrome 20. Last evaluated: 2025-07-28. Review status: criteria provided, single submitter. Criteria: Invitae Variant Classification Sherloc (09022015). Collection method: clinical testing. Allele origin: germline.
Comment: This sequence change replaces proline, which is neutral and non-polar, with serine, which is neutral and polar, at codon 463 of the SLC5A7 protein (p.Pro463Ser). This variant is not present in population databases (gnomAD no frequency). This variant has not been reported in the literature in individuals affected with SLC5A7-related conditions. ClinVar contains an entry for this variant (Variation ID: 579028). Invitae Evidence Modeling of protein sequence and biophysical properties (such as structural, functional, and spatial information, amino acid conservation, physicochemical variation, residue mobility, and thermodynamic stability) indicates that this missense variant is expected to disrupt SLC5A7 protein function with a positive predictive value of 80%. In summary, the available evidence is currently insufficient to determine the role of this variant in disease. Therefore, it has been classified as a Variant of Uncertain Significance.